The following is an entry in ClinVar:

NM_018418.5(SPATA7):c.578_581dup (p.Ser195fs)

Gene: SPATA7 (spermatogenesis associated 7; plus strand). Cytogenetic location: 14q31.3.
Variant type: Duplication.
Coding change: c.578_581dup on transcript NM_018418.5 (MANE Select); coding-DNA positions 578 to 581, 4 bases duplicated (TGAG; older notation c.578_581dupTGAG).
Protein change: p.Ser195fs; shifts the reading frame from serine 195.
Molecular consequence: frameshift variant.
Genome position (GRCh38, 1-based): chr14:88,426,437-88,426,440, TGAG duplicated. VCF-style (leftmost placement, unchanged base first): chr14-88426436-C-CTGAG. GRCh37 (hg19) VCF-style: chr14-88892780-C-CTGAG.
Other names: c.482_485dup, p.Ser163fs (NM_001040428.4); short protein forms S195fs, S163fs.
Identifiers: ClinVar variation 1967922 (VCV001967922.5), dbSNP rs2504238331, ClinGen allele CA2580088910.

ClinVar aggregate classification (germline): Pathogenic (1 of 4 stars; one submission).

Conditions:
Leber congenital amaurosis 3 (LCA3). Also called: SPATA7-Related Retinitis Pigmentosa. Identifiers: MedGen C1858677, MONDO:0011415, OMIM 604232.

Submission:

Labcorp Genetics (formerly Invitae), Labcorp
Classification: Pathogenic for Leber congenital amaurosis 3. Last evaluated: 2023-02-15. Review status: criteria provided, single submitter. Criteria: Invitae Variant Classification Sherloc (09022015). Collection method: clinical testing. Allele origin: germline.
Comment: For these reasons, this variant has been classified as Pathogenic. This variant has not been reported in the literature in individuals affected with SPATA7-related conditions. This variant is not present in population databases (gnomAD no frequency). This sequence change creates a premature translational stop signal (p.Ser195Glufs*35) in the SPATA7 gene. It is expected to result in an absent or disrupted protein product. Loss-of-function variants in SPATA7 are known to be pathogenic (PMID: 19268277, 22334370, 23847139, 26047050, 26261414).

Literature cited by the submitters: PubMed 19268277; PubMed 22334370; PubMed 23847139; PubMed 26047050; PubMed 26261414.